The following is an entry in ClinVar:

ClinVar aggregate classification (germline): Uncertain significance (1 of 4 stars; one submission).

gnomAD v4.1: 1 of 1,613,702 alleles (0.000062%); highest among the groups gnomAD compares: Non-Finnish European, 0.000085%; no homozygotes.

Submission:

Labcorp Genetics (formerly Invitae), Labcorp
Classification: Uncertain significance. Last evaluated: 2023-09-19. Review status: criteria provided, single submitter. Criteria: Invitae Variant Classification Sherloc (09022015). Collection method: clinical testing. Allele origin: germline.
Comment: This variant has not been reported in the literature in individuals affected with TSPEAR-related conditions. In summary, the available evidence is currently insufficient to determine the role of this variant in disease. Therefore, it has been classified as a Variant of Uncertain Significance. Variants that disrupt the consensus splice site are a relatively common cause of aberrant splicing (PMID: 17576681, 9536098). Algorithms developed to predict the effect of sequence changes on RNA splicing suggest that this variant may disrupt the consensus splice site. This variant is not present in population databases (gnomAD no frequency). This sequence change falls in intron 5 of the TSPEAR gene. It does not directly change the encoded amino acid sequence of the TSPEAR protein. It affects a nucleotide within the consensus splice site.

Literature cited by the submitters: PubMed 17576681; PubMed 9536098.

NM_144991.3(TSPEAR):c.790+5G>C

Gene: TSPEAR (thrombospondin type laminin G domain and EAR repeats; minus strand). Cytogenetic location: 21q22.3.
Variant type: single nucleotide variant.
Coding change: c.790+5G>C on transcript NM_144991.3 (MANE Select); 5 bases into the intron after coding-DNA position 790, G replaced by C.
Molecular consequence: intron variant.
Genome position (GRCh38, 1-based): chr21:44,529,793, C>G on the plus strand (G>C on the coding strand, the complement: TSPEAR is on the minus strand). VCF-style: chr21-44529793-C-G. GRCh37 (hg19) VCF-style: chr21-45949676-C-G.
Other names: c.586+5G>C (NM_001272037.2).
Identifiers: ClinVar variation 2754703 (VCV002754703.3), dbSNP rs1569167108, ClinGen allele CA2654836263.
Genomic context (GRCh38, chr21:44,529,793, plus strand): 5'-CCTGGTGTGAGGCCAGGGCTCTCGCATCTGCCTTTGGTGTGGGGGCGGGTGGCCCCCCTA[C>G]TAACCATAGGGATATTTTAGCACCTCGTTATCTTCTGGCTTCCCCGTGAGAGCCTGCAGG-3'